The following is an entry in ClinVar:

NM_025257.3(SLC44A4):c.61C>A (p.Pro21Thr)

Gene: SLC44A4 (solute carrier family 44 member 4; minus strand). Cytogenetic location: 6p21.33.
Variant type: single nucleotide variant.
Coding change: c.61C>A on transcript NM_025257.3 (MANE Select); coding-DNA position 61, C replaced by A.
Protein change: p.Pro21Thr; replaces proline 21 with threonine.
Molecular consequence: missense variant. On other transcripts: 5 prime UTR variant (1).
Genome position (GRCh38, 1-based): chr6:31,877,062, G>T on the plus strand (C>A on the coding strand, the complement: SLC44A4 is on the minus strand). VCF-style: chr6-31877062-G-T. GRCh37 (hg19) VCF-style: chr6-31844839-G-T.
Other names: c.61C>A, p.Pro21Thr (NM_001178044.2); c.-168C>A (NM_001178045.2); short protein forms P21T.
Identifiers: ClinVar variation 3647493 (VCV003647493.2).

ClinVar aggregate classification (germline): Uncertain significance (1 of 4 stars; one submission).

Submission:

Labcorp Genetics (formerly Invitae), Labcorp
Classification: Uncertain significance. Last evaluated: 2024-03-24. Review status: criteria provided, single submitter. Criteria: Invitae Variant Classification Sherloc (09022015). Collection method: clinical testing. Allele origin: germline.
Comment: This sequence change replaces proline, which is neutral and non-polar, with threonine, which is neutral and polar, at codon 21 of the SLC44A4 protein (p.Pro21Thr). This variant is not present in population databases (gnomAD no frequency). This variant has not been reported in the literature in individuals affected with SLC44A4-related conditions. Advanced modeling of protein sequence and biophysical properties (such as structural, functional, and spatial information, amino acid conservation, physicochemical variation, residue mobility, and thermodynamic stability) has been performed at Invitae for this missense variant, however the output from this modeling did not meet the statistical confidence thresholds required to predict the impact of this variant on SLC44A4 protein function. In summary, the available evidence is currently insufficient to determine the role of this variant in disease. Therefore, it has been classified as a Variant of Uncertain Significance.